The following is an entry in ClinVar:

NM_006204.4(PDE6C):c.321A>G (p.Ile107Met)

Gene: PDE6C (phosphodiesterase 6C; plus strand). Cytogenetic location: 10q23.33.
Variant type: single nucleotide variant.
Coding change: c.321A>G on transcript NM_006204.4 (MANE Select); coding-DNA position 321, A replaced by G.
Protein change: p.Ile107Met; replaces isoleucine 107 with methionine.
Molecular consequence: missense variant.
Genome position (GRCh38, 1-based): chr10:93,613,046, A>G. VCF-style: chr10-93613046-A-G. GRCh37 (hg19) VCF-style: chr10-95372803-A-G.
Other names: short protein forms I107M.
Identifiers: ClinVar variation 964129 (VCV000964129.10), dbSNP rs753799663, ClinGen allele CA5609813.

ClinVar aggregate classification (germline): Uncertain significance. Review status: criteria provided, multiple submitters, no conflicts (2 of 4 stars). 2 submissions from 2 submitters: Uncertain significance (2). Last evaluated 2024-04-30.

Allele frequency attached by ClinVar (database versions not stated): gnomAD exomes below 0.00001 and 0.00001; ExAC 0.00001; gnomAD 0.00001; TOPMed 0.00001.

Submissions (2):

Labcorp Genetics (formerly Invitae), Labcorp
Classification: Uncertain significance. Last evaluated: 2024-04-30. Review status: criteria provided, single submitter. Criteria: Invitae Variant Classification Sherloc (09022015). Collection method: clinical testing. Allele origin: germline.
Comment: This sequence change replaces isoleucine, which is neutral and non-polar, with methionine, which is neutral and non-polar, at codon 107 of the PDE6C protein (p.Ile107Met). This variant is present in population databases (rs753799663, gnomAD 0.003%). This variant has not been reported in the literature in individuals affected with PDE6C-related conditions. ClinVar contains an entry for this variant (Variation ID: 964129). Advanced modeling of protein sequence and biophysical properties (such as structural, functional, and spatial information, amino acid conservation, physicochemical variation, residue mobility, and thermodynamic stability) performed at Invitae indicates that this missense variant is not expected to disrupt PDE6C protein function with a negative predictive value of 80%. In summary, the available evidence is currently insufficient to determine the role of this variant in disease. Therefore, it has been classified as a Variant of Uncertain Significance.

Blueprint Genetics
Classification: Uncertain significance. Last evaluated: 2021-05-17. Review status: criteria provided, single submitter. Criteria: ACMG Guidelines, 2015. Collection method: clinical testing. Allele origin: germline.